The following is an entry in ClinVar:

NM_170606.3(KMT2C):c.7443-6_7443-5insTTTTTTA

Gene: KMT2C (lysine methyltransferase 2C; minus strand). Cytogenetic location: 7q36.1.
Variant type: Insertion.
Coding change: c.7443-6_7443-5insTTTTTTA on transcript NM_170606.3 (MANE Select); 6 bases into the intron before coding-DNA position 7443 through 5 bases into the intron before coding-DNA position 7443, TTTTTTA inserted.
Molecular consequence: intron variant.
Genome position: GRCh38 VCF-style: chr7-152178015-T-TTAAAAAA. GRCh37 (hg19) VCF-style: chr7-151875100-T-TTAAAAAA.
Identifiers: ClinVar variation 1650891 (VCV001650891.41), dbSNP rs1491309235, ClinGen allele CA458688615.

ClinVar aggregate classification (germline): Likely benign. Review status: criteria provided, multiple submitters, no conflicts (2 of 4 stars). 4 submissions from 4 submitters: Likely benign (4). Last evaluated 2026-09-01.

Submissions (4):

CeGaT Center for Human Genetics Tuebingen
Classification: Likely benign. Last evaluated: 2026-09-01. Review status: criteria provided, single submitter. Criteria: CeGaT Center For Human Genetics Tuebingen Variant Classification Criteria Version 2. Collection method: clinical testing. Allele origin: germline. Affected: yes. Observed: 7 variant alleles.
Comment: KMT2C: BP4, BS1

Labcorp Genetics (formerly Invitae), Labcorp
Classification: Likely benign. Last evaluated: 2026-01-13. Review status: criteria provided, single submitter. Criteria: Invitae Variant Classification Sherloc (09022015). Collection method: clinical testing. Allele origin: germline.

Laboratory of Genetics, Children's Clinical University Hospital Latvia
Classification: Likely benign. Last evaluated: 2025-02-16. Review status: criteria provided, single submitter. Criteria: ACMG Guidelines, 2015. Collection method: clinical testing. Allele origin: germline. Affected: yes.

Blueprint Genetics
Classification: Likely benign. Last evaluated: 2022-11-18. Review status: criteria provided, single submitter. Criteria: ACMG Guidelines, 2015. Collection method: clinical testing. Allele origin: germline.